The following is an entry in ClinVar:

NM_005356.5(LCK):c.437A>G (p.Asn146Ser)

Gene: LCK (LCK proto-oncogene, Src family tyrosine kinase; plus strand). Cytogenetic location: 1p35.2.
Variant type: single nucleotide variant.
Coding change: c.437A>G on transcript NM_005356.5 (MANE Select); coding-DNA position 437, A replaced by G.
Protein change: p.Asn146Ser; replaces asparagine 146 with serine.
Molecular consequence: missense variant.
Genome position (GRCh38, 1-based): chr1:32,275,628, A>G. VCF-style: chr1-32275628-A-G. GRCh37 (hg19) VCF-style: chr1-32741229-A-G.
Other names: c.437A>G, p.Asn146Ser (NM_001042771.3, NM_001330468.2); short protein forms N146S.
Identifiers: ClinVar variation 1025318 (VCV001025318.8), dbSNP rs1640239109, ClinGen allele CA339637267.

ClinVar aggregate classification (germline): Uncertain significance (1 of 4 stars; one submission).

Conditions:
Severe combined immunodeficiency due to LCK deficiency. Also called: Immunodeficiency 22. Identifiers: Orphanet 280142, MedGen C4014233, MONDO:0014334, OMIM 615758.

Submission:

Labcorp Genetics (formerly Invitae), Labcorp
Classification: Uncertain significance for Severe combined immunodeficiency due to LCK deficiency. Last evaluated: 2020-02-26. Review status: criteria provided, single submitter. Criteria: Invitae Variant Classification Sherloc (09022015). Collection method: clinical testing. Allele origin: germline.
Comment: This sequence change replaces asparagine with serine at codon 146 of the LCK protein (p.Asn146Ser). The asparagine residue is highly conserved and there is a small physicochemical difference between asparagine and serine. This variant is not present in population databases (ExAC no frequency). This variant has not been reported in the literature in individuals with LCK-related conditions. Algorithms developed to predict the effect of missense changes on protein structure and function are either unavailable or do not agree on the potential impact of this missense change (SIFT: "Deleterious"; PolyPhen-2: "Benign"; Align-GVGD: "Class C0"). In summary, the available evidence is currently insufficient to determine the role of this variant in disease. Therefore, it has been classified as a Variant of Uncertain Significance.